The following is an entry in ClinVar:

NM_001606.5(ABCA2):c.6099C>T (p.Asp2033=)

Genes: ABCA2 (ATP binding cassette subfamily A member 2; minus strand), LOC126860796 (CDK7 strongly-dependent group 2 enhancer GRCh37_chr9:139904888-139906087; plus strand). Cytogenetic location: 9q34.3.
Variant type: single nucleotide variant.
Coding change: c.6099C>T on transcript NM_001606.5 (MANE Select); coding-DNA position 6099, C replaced by T.
Protein change: p.Asp2033=; no amino-acid change (aspartic acid 2033 retained).
Molecular consequence: synonymous variant.
Genome position (GRCh38, 1-based): chr9:137,010,695, G>A on the plus strand (C>T on the coding strand, the complement: ABCA2 is on the minus strand). VCF-style: chr9-137010695-G-A. GRCh37 (hg19) VCF-style: chr9-139905147-G-A.
Other names: c.6096C>T, p.Asp2032= (NM_001411042.1); c.6189C>T, p.Asp2063= (NM_212533.3).
Identifiers: ClinVar variation 4822114 (VCV004822114.4).

ClinVar aggregate classification (germline): Likely benign (1 of 4 stars; one submission).

gnomAD v4.1: 282 of 1,605,954 alleles (0.018%); highest among the groups gnomAD compares: African/African-American, 0.044%; no homozygotes.

Submission:

CeGaT Center for Human Genetics Tuebingen
Classification: Likely benign. Last evaluated: 2026-03-01. Review status: criteria provided, single submitter. Criteria: CeGaT Center For Human Genetics Tuebingen Variant Classification Criteria Version 2. Collection method: clinical testing. Allele origin: germline. Affected: yes. Observed: 1 variant allele.
Comment: ABCA2: BP4, BP7